The following is an entry in ClinVar:

NM_024757.5(EHMT1):c.1069G>C (p.Glu357Gln)

Gene: EHMT1 (euchromatic histone lysine methyltransferase 1; plus strand). Cytogenetic location: 9q34.3.
Variant type: single nucleotide variant.
Coding change: c.1069G>C on transcript NM_024757.5 (MANE Select); coding-DNA position 1069, G replaced by C.
Protein change: p.Glu357Gln; replaces glutamic acid 357 with glutamine.
Molecular consequence: missense variant.
Genome position (GRCh38, 1-based): chr9:137,743,989, G>C. VCF-style: chr9-137743989-G-C. GRCh37 (hg19) VCF-style: chr9-140638441-G-C.
Other names: c.1069G>C, p.Glu357Gln (NM_001145527.2, NM_001354611.2); c.976G>C, p.Glu326Gln (NM_001354259.2, NM_001354612.2); c.1048G>C, p.Glu350Gln (NM_001354263.2); short protein forms E326Q, E350Q, E357Q.
Identifiers: ClinVar variation 2580657 (VCV002580657.1), dbSNP rs773779920, ClinGen allele CA201820630.
Genomic context (GRCh38, chr9:137,743,989, plus strand): 5'-CTGCACGTGAATGGGGAGAGCCTGGAGATGGACTCGGATGAGGACGACTCAGAGGAGCTC[G>C]AGGAGGACGACGGCCATGGTGCAGAGCAGGCGGCCGCGTTCCCCACAGAGGACAGCAGGA-3'
Protein context (NP_079033.4, residues 347-367): DSDEDDSEEL[Glu357Gln]EDDGHGAEQA

ClinVar aggregate classification (germline): Uncertain significance (1 of 4 stars; one submission).

gnomAD v4.1: 1 of 1,613,940 alleles (0.000062%); highest among the groups gnomAD compares: African/African-American, 0.0013%; no homozygotes.

Submission:

GeneDx
Classification: Uncertain significance. Last evaluated: 2023-03-22. Review status: criteria provided, single submitter. Criteria: GeneDx Variant Classification Process June 2021. Collection method: clinical testing. Allele origin: germline. Affected: yes.
Comment: Not observed at significant frequency in large population cohorts (gnomAD); In silico analysis supports that this missense variant does not alter protein structure/function; Has not been previously published as pathogenic or benign to our knowledge